The following is an entry in ClinVar:

NM_013382.7(POMT2):c.329G>A (p.Gly110Glu)

Gene: POMT2 (protein O-mannosyltransferase 2; minus strand). Cytogenetic location: 14q24.3.
Variant type: single nucleotide variant.
Coding change: c.329G>A on transcript NM_013382.7 (MANE Select); coding-DNA position 329, G replaced by A.
Protein change: p.Gly110Glu; replaces glycine 110 with glutamic acid.
Molecular consequence: missense variant.
Genome position (GRCh38, 1-based): chr14:77,311,953, C>T on the plus strand (G>A on the coding strand, the complement: POMT2 is on the minus strand). VCF-style: chr14-77311953-C-T. GRCh37 (hg19) VCF-style: chr14-77778296-C-T.
Other names: short protein forms G110E.
Identifiers: ClinVar variation 949499 (VCV000949499.10), dbSNP rs1891447838, ClinGen allele CA390502527.

ClinVar aggregate classification (germline): Uncertain significance (1 of 4 stars; one submission).

Conditions:
Muscular dystrophy-dystroglycanopathy (congenital with brain and eye anomalies), type A2. Also called: MUSCULAR DYSTROPHY-DYSTROGLYCANOPATHY (CONGENITAL WITH BRAIN AND EYE ANOMALIES), TYPE A, 2; WALKER-WARBURG SYNDROME OR MUSCLE-EYE-BRAIN DISEASE, POMT2-RELATED. Identifiers: Orphanet 588, Orphanet 899, MedGen C3150411, MONDO:0013154, OMIM 613150.
Muscular dystrophy-dystroglycanopathy (congenital with impaired intellectual development), type B, 2. Also called: Muscular dystrophy-dystroglycanopathy (congenital with intellectual disability), type B2; MUSCULAR DYSTROPHY, CONGENITAL, POMT2-RELATED. Identifiers: MedGen C3150416, MONDO:0013160, OMIM 613156.
Autosomal recessive limb-girdle muscular dystrophy type 2N. Also called: Muscular dystrophy-dystroglycanopathy (limb-girdle), type C, 2; MUSCULAR DYSTROPHY-DYSTROGLYCANOPATHY, LIMB-GIRDLE, POMT2-RELATED. Identifiers: Orphanet 206559, MedGen C3150418, MONDO:0013162, OMIM 613158.

Submission:

Labcorp Genetics (formerly Invitae), Labcorp
Classification: Uncertain significance for Muscular dystrophy-dystroglycanopathy (congenital with impaired intellectual development), type B, 2; Muscular dystrophy-dystroglycanopathy (congenital with brain and eye anomalies), type A2; Autosomal recessive limb-girdle muscular dystrophy type 2N. Last evaluated: 2022-07-18. Review status: criteria provided, single submitter. Criteria: Invitae Variant Classification Sherloc (09022015). Collection method: clinical testing. Allele origin: germline.
Comment: Algorithms developed to predict the effect of missense changes on protein structure and function (SIFT, PolyPhen-2, Align-GVGD) all suggest that this variant is likely to be disruptive. In summary, the available evidence is currently insufficient to determine the role of this variant in disease. Therefore, it has been classified as a Variant of Uncertain Significance. This sequence change replaces glycine, which is neutral and non-polar, with glutamic acid, which is acidic and polar, at codon 110 of the POMT2 protein (p.Gly110Glu). This variant is not present in population databases (gnomAD no frequency). This variant has not been reported in the literature in individuals affected with POMT2-related conditions. ClinVar contains an entry for this variant (Variation ID: 949499).